The following is an entry in ClinVar:

ClinVar aggregate classification (germline): Benign/Likely benign. Review status: criteria provided, multiple submitters, no conflicts (2 of 4 stars). 7 submissions from 7 submitters: Benign (6); Likely benign (1). Last evaluated 2026-02-04.

Allele frequency attached by ClinVar (database versions not stated): gnomAD exomes 0.17625; ExAC 0.18684; gnomAD 0.23147 and 0.23627; TOPMed 0.23607; 1000 Genomes Project 0.24121; 1000 Genomes Project 30x 0.24250; ESP Exome Variant Server 0.24796.
gnomAD v4.1: 298,451 of 1,612,844 alleles (19%); highest among the groups gnomAD compares: African/African-American, 39%; 30,734 homozygotes.

Submissions (7):

Labcorp Genetics (formerly Invitae), Labcorp
Classification: Benign. Last evaluated: 2026-02-04. Review status: criteria provided, single submitter. Criteria: Invitae Variant Classification Sherloc (09022015). Collection method: clinical testing. Allele origin: germline.

Women's Health and Genetics/Laboratory Corporation of America, LabCorp
Classification: Benign. Last evaluated: 2026-01-21. Review status: criteria provided, single submitter. Criteria: LabCorp Variant Classification Summary - May 2015. Collection method: clinical testing. Allele origin: germline.

Blueprint Genetics
Classification: Likely benign. Last evaluated: 2024-11-27. Review status: criteria provided, single submitter. Criteria: ACMG Guidelines, 2015. Collection method: clinical testing. Allele origin: germline.

Mayo Clinic Laboratories, Mayo Clinic
Classification: Benign. Last evaluated: 2022-09-06. Review status: criteria provided, single submitter. Criteria: ACMG Guidelines, 2015. Collection method: clinical testing. Allele origin: germline. Observed: 5 variant alleles.

GeneDx
Classification: Benign. Last evaluated: 2020-12-07. Review status: criteria provided, single submitter. Criteria: GeneDx Variant Classification Process June 2021. Collection method: clinical testing. Allele origin: germline. Affected: yes.

Laboratory for Molecular Medicine, Mass General Brigham Personalized Medicine
Classification: Benign. Last evaluated: 2016-03-28. Review status: criteria provided, single submitter. Criteria: LMM Criteria. Collection method: clinical testing. Allele origin: germline.
Comment: Variant identified in a genome or exome case(s) and assessed due to predicted null impact of the variant or pathogenic assertions in the literature or databases. Disclaimer: This variant has not undergone full assessment. The following are preliminary notes: Frequency

Breakthrough Genomics
Classification: Benign. Review status: criteria provided, single submitter. Criteria: ACMG Guidelines, 2015. Collection method: not provided. Allele origin: germline. Inheritance: Autosomal recessive inheritance. Affected: yes.

NM_001735.3(C5):c.1155A>G (p.Gly385=)

Gene: C5 (complement C5; minus strand). Cytogenetic location: 9q33.2.
Variant type: single nucleotide variant.
Coding change: c.1155A>G on transcript NM_001735.3 (MANE Select); coding-DNA position 1155, A replaced by G.
Protein change: p.Gly385=; no amino-acid change (glycine 385 retained).
Molecular consequence: synonymous variant.
Genome position (GRCh38, 1-based): chr9:121,021,656, T>C on the plus strand (A>G on the coding strand, the complement: C5 is on the minus strand). VCF-style: chr9-121021656-T-C. GRCh37 (hg19) VCF-style: chr9-123783934-T-C.
Other names: p.Gly385=; c.1173A>G, p.Gly391= (NM_001317163.2); c.1155A>G, p.Gly385= (NM_001317164.2).
Identifiers: ClinVar variation 402457 (VCV000402457.19), dbSNP rs10985126, ClinGen allele CA5218141.